The following is an entry in ClinVar:

ClinVar aggregate classification (germline): Pathogenic/Likely pathogenic. Review status: criteria provided, multiple submitters, no conflicts (2 of 4 stars). 7 submissions from 5 submitters: Pathogenic (5); Likely pathogenic (1). 1 of the submissions does not count toward it. Last evaluated 2025-03-04.

Conditions:
Retinitis pigmentosa 7 (RP7). Identifiers: Orphanet 791, MedGen C1842475, MONDO:0011974, OMIM 608133.
Retinal dystrophy. Also called: Inherited retinal dystrophy. Identifiers: Orphanet 71862, MedGen C0854723, MeSH D058499, MONDO:0019118, HP:0000556.
PRPH2-related disorder. Also called: PRPH2-related condition; PRPH2-related disorders. Identifiers: MedGen CN239395.
Patterned macular dystrophy 1. Also called: MACULAR DYSTROPHY, BUTTERFLY-SHAPED PIGMENTARY; BUTTERFLY DYSTROPHY OF RETINAL PIGMENT EPITHELIUM. Identifiers: Orphanet 99001, MedGen C4551999, MONDO:0008210, OMIM 169150.
Pigmentary retinal dystrophy. Also called: Fundus albipunctatus. Identifiers: Orphanet 227796, Orphanet 52427, MedGen C0311338, MONDO:0007639, OMIM 136880, HP:0030642.

Submissions (7):

Institute of Human Genetics, University of Leipzig Medical Center
Classification: Pathogenic for Patterned macular dystrophy 1. Last evaluated: 2025-03-04. Review status: criteria provided, single submitter. Criteria: ACMG Guidelines, 2015. Collection method: clinical testing. Allele origin: unknown. Inheritance: Autosomal dominant inheritance. Affected: yes.
Comment: Criteria applied: PVS1,PS4_MOD,PM2

Institute of Human Genetics, University of Leipzig Medical Center
Classification: Pathogenic for Pigmentary retinal dystrophy. Last evaluated: 2023-10-20. Review status: criteria provided, single submitter. Criteria: ACMG Guidelines, 2015. Collection method: clinical testing. Allele origin: unknown. Inheritance: Autosomal dominant inheritance. Affected: yes.
Comment: Criteria applied: PVS1,PS4_MOD,PM2_SUP

Institute of Human Genetics, University of Leipzig Medical Center
Classification: Pathogenic for Retinitis pigmentosa 7. Last evaluated: 2022-11-28. Review status: criteria provided, single submitter. Criteria: ACMG Guidelines, 2015. Collection method: clinical testing. Allele origin: unknown. Affected: yes.
Comment: _x000D_ Criteria applied: PVS1, PS4_MOD, PM2_SUP

Labcorp Genetics (formerly Invitae), Labcorp
Classification: Pathogenic for PRPH2-related disorder. Last evaluated: 2022-02-03. Review status: criteria provided, single submitter. Criteria: Invitae Variant Classification Sherloc (09022015). Collection method: clinical testing. Allele origin: germline.
Comment: ClinVar contains an entry for this variant (Variation ID: 1076073). This premature translational stop signal has been observed in individual(s) with macular or cone/cone-rod dystrophy (PMID: 29555955). This variant is not present in population databases (gnomAD no frequency). This sequence change creates a premature translational stop signal (p.Ser231*) in the PRPH2 gene. It is expected to result in an absent or disrupted protein product. Loss-of-function variants in PRPH2 are known to be pathogenic (PMID: 8111389, 8485575, 8485576, 8675410, 16916875, 17504850, 25675413, 26061163, 27365499, 29555955). For these reasons, this variant has been classified as Pathogenic.

MGZ Medical Genetics Center
Classification: Likely pathogenic for Patterned macular dystrophy 1. Last evaluated: 2021-09-06. Review status: criteria provided, single submitter. Criteria: ACMG Guidelines, 2015. Collection method: clinical testing. Allele origin: germline. Affected: yes. Observed: 1 variant allele.
Comment: ACMG criteria applied: PVS1, PM2_SUP

Institute of Human Genetics, Univ. Regensburg, Univ. Regensburg
Classification: Pathogenic for Retinal dystrophy. Last evaluated: 2019-01-01. Review status: criteria provided, single submitter. Criteria: ACMG Guidelines, 2015. Collection method: clinical testing. Allele origin: germline. Affected: yes.

Leiden Open Variation Database
Classification: Pathogenic. Last evaluated: 2021-02-14. Review status: no assertion criteria provided. Collection method: curation. Allele origin: germline. Affected: yes. Not counted in ClinVar's aggregate classification.
Comment: Curator: Global Variome, with Curator vacancy. Submitter to LOVD: LOVD.

Literature cited by the submitters: PubMed 29555955 (cited by 3 submitters); PubMed 8111389 (cited by Labcorp Genetics (formerly Invitae), Labcorp); PubMed 8485575 (cited by Labcorp Genetics (formerly Invitae), Labcorp); PubMed 8485576 (cited by Labcorp Genetics (formerly Invitae), Labcorp); PubMed 8675410 (cited by Labcorp Genetics (formerly Invitae), Labcorp); PubMed 16916875 (cited by Labcorp Genetics (formerly Invitae), Labcorp); PubMed 17504850 (cited by Labcorp Genetics (formerly Invitae), Labcorp); PubMed 25675413 (cited by Labcorp Genetics (formerly Invitae), Labcorp); PubMed 26061163 (cited by Labcorp Genetics (formerly Invitae), Labcorp); PubMed 27365499 (cited by Labcorp Genetics (formerly Invitae), Labcorp); PubMed 3441139 (cited by Institute of Human Genetics, Univ. Regensburg, Univ. Regensburg).

NM_000322.5(PRPH2):c.692C>G (p.Ser231Ter)

Gene: PRPH2 (peripherin 2; minus strand). Cytogenetic location: 6p21.1.
Variant type: single nucleotide variant.
Coding change: c.692C>G on transcript NM_000322.5 (MANE Select); coding-DNA position 692, C replaced by G.
Protein change: p.Ser231Ter; replaces serine 231 with a stop codon.
Molecular consequence: nonsense.
Genome position (GRCh38, 1-based): chr6:42,704,501, G>C on the plus strand (C>G on the coding strand, the complement: PRPH2 is on the minus strand). VCF-style: chr6-42704501-G-C. GRCh37 (hg19) VCF-style: chr6-42672239-G-C.
Other names: short protein forms S231*.
Identifiers: ClinVar variation 1076073 (VCV001076073.13), dbSNP rs1554269046, ClinGen allele CA364135285.
Genomic context (GRCh38, chr6:42,704,501, plus strand): 5'-CTGCAGCCACGCACCCACAGGTTGAGCTCCTCCGTCTGGTGGTCGTAACTGTAGTGTGCT[G>C]AGTTGTTGGTGATCTGATACTGGATGCAGGGCCGTGGCGAGCTAGGATTGCAGCAGCTGA-3'